The following is an entry in ClinVar:

ClinVar aggregate classification (germline): Uncertain significance (1 of 4 stars; one submission).

Conditions:
Primary ciliary dyskinesia 33. Also called: CILIARY DYSKINESIA, PRIMARY, 33, WITHOUT SITUS INVERSUS. Identifiers: Orphanet 244, MedGen C4225230, MONDO:0014750, OMIM 616726.

Allele frequency attached by ClinVar (database versions not stated): ExAC 0.00001; gnomAD 0.00001; gnomAD exomes 0.00001.
gnomAD v4.1: 13 of 1,604,616 alleles (0.00081%); highest among the groups gnomAD compares: South Asian, 0.013%; no homozygotes.

Submission:

Labcorp Genetics (formerly Invitae), Labcorp
Classification: Uncertain significance for Primary ciliary dyskinesia 33. Last evaluated: 2022-07-06. Review status: criteria provided, single submitter. Criteria: Invitae Variant Classification Sherloc (09022015). Collection method: clinical testing. Allele origin: germline.
Comment: Algorithms developed to predict the effect of missense changes on protein structure and function (SIFT, PolyPhen-2, Align-GVGD) all suggest that this variant is likely to be tolerated. This sequence change replaces asparagine, which is neutral and polar, with aspartic acid, which is acidic and polar, at codon 238 of the GAS8 protein (p.Asn238Asp). This variant is present in population databases (rs754476344, gnomAD 0.007%). This variant has not been reported in the literature in individuals affected with GAS8-related conditions. ClinVar contains an entry for this variant (Variation ID: 1412619). In summary, the available evidence is currently insufficient to determine the role of this variant in disease. Therefore, it has been classified as a Variant of Uncertain Significance.

NM_001481.3(DRC4):c.712A>G (p.Asn238Asp)

Gene: DRC4 (dynein regulatory complex subunit 4; plus strand). Cytogenetic location: 16q24.3.
Variant type: single nucleotide variant.
Coding change: c.712A>G on transcript NM_001481.3 (MANE Select); coding-DNA position 712, A replaced by G.
Protein change: p.Asn238Asp; replaces asparagine 238 with aspartic acid.
Molecular consequence: missense variant.
Genome position (GRCh38, 1-based): chr16:90,036,542, A>G. VCF-style: chr16-90036542-A-G. GRCh37 (hg19) VCF-style: chr16-90102950-A-G.
Other names: c.463A>G, p.Asn155Asp (NM_001286205.2); c.136A>G, p.Asn46Asp (NM_001286208.2); c.637A>G, p.Asn213Asp (NM_001286209.2); short protein forms N46D, N238D, N155D, N213D.
Identifiers: ClinVar variation 1412619 (VCV001412619.5), dbSNP rs754476344, ClinGen allele CA8257925.
Genomic context (GRCh38, chr16:90,036,542, plus strand): 5'-CAGATCCACACGCTGATGCAGCGCCACGAGGAGGCCTTCACCGACATTAAGAACTACTAC[A>G]ACGACATCACCCTCAACAACCTGGCCCTCATCAACTCCCTCAAGGTGCTGTGCGTGGGCT-3'
Protein context (NP_001472.1, residues 228-248): EAFTDIKNYY[Asn238Asp]DITLNNLALI